The following is an entry in ClinVar:

ClinVar aggregate classification (germline): Likely benign. Review status: criteria provided, multiple submitters, no conflicts (2 of 4 stars). 2 submissions from 2 submitters: Likely benign (2). Last evaluated 2026-01-19.

Conditions:
Hereditary sensory neuropathy-deafness-dementia syndrome. Also called: HSN IE; Hereditary sensory neuropathy type IE; Hereditary Sensory and Autonomic Neuropathy Type 1E (HSAN1E); NEUROPATHY, HEREDITARY SENSORY, WITH HEARING LOSS AND DEMENTIA. Identifiers: Orphanet 456318, MedGen C3279885, MONDO:0013584, OMIM 614116.

Allele frequency attached by ClinVar (database versions not stated): ExAC 0.00003; TOPMed 0.00004; gnomAD 0.00006 and 0.00007; gnomAD exomes 0.00006; ESP Exome Variant Server 0.00008; 1000 Genomes Project 30x 0.00016; 1000 Genomes Project 0.00020.
gnomAD v4.1: 89 of 1,614,138 alleles (0.0055%); highest among the groups gnomAD compares: East Asian, 0.029%; no homozygotes.

Submissions (2):

Labcorp Genetics (formerly Invitae), Labcorp
Classification: Likely benign for Hereditary sensory neuropathy-deafness-dementia syndrome. Last evaluated: 2026-01-19. Review status: criteria provided, single submitter. Criteria: Invitae Variant Classification Sherloc (09022015). Collection method: clinical testing. Allele origin: germline.

CeGaT Center for Human Genetics Tuebingen
Classification: Likely benign. Last evaluated: 2024-05-01. Review status: criteria provided, single submitter. Criteria: CeGaT Center For Human Genetics Tuebingen Variant Classification Criteria Version 2. Collection method: clinical testing. Allele origin: germline. Affected: yes. Observed: 1 variant allele.
Comment: DNMT1: BP4, BP7

NM_001130823.3(DNMT1):c.2625C>T (p.Asp875=)

Gene: DNMT1 (DNA methyltransferase 1; minus strand). Cytogenetic location: 19p13.2.
Variant type: single nucleotide variant.
Coding change: c.2625C>T on transcript NM_001130823.3 (MANE Select); coding-DNA position 2625, C replaced by T.
Protein change: p.Asp875=; no amino-acid change (aspartic acid 875 retained).
Molecular consequence: synonymous variant.
Genome position (GRCh38, 1-based): chr19:10,148,979, G>A on the plus strand (C>T on the coding strand, the complement: DNMT1 is on the minus strand). VCF-style: chr19-10148979-G-A. GRCh37 (hg19) VCF-style: chr19-10259655-G-A.
Other names: c.2625C>T (LRG_362t1); c.2577C>T, p.Asp859= (NM_001318730.2, NM_001379.4); c.2262C>T, p.Asp754= (NM_001318731.2).
Identifiers: ClinVar variation 539616 (VCV000539616.30), dbSNP rs200928585, ClinGen allele CA9187987.